The following is an entry in ClinVar:

NM_001267550.2(TTN):c.48766C>A (p.Pro16256Thr)

Genes: TTN (titin; minus strand), TTN-AS1 (TTN antisense RNA 1; plus strand), LOC126806426 (BRD4-independent group 4 enhancer GRCh37_chr2:179478848-179480047; plus strand). Cytogenetic location: 2q31.2.
Variant type: single nucleotide variant.
Coding change: c.48766C>A on transcript NM_001267550.2 (MANE Select); coding-DNA position 48766, C replaced by A.
Protein change: p.Pro16256Thr; replaces proline 16256 with threonine.
Molecular consequence: missense variant. On other transcripts: non-coding transcript variant (1).
Genome position (GRCh38, 1-based): chr2:178,614,748, G>T on the plus strand (C>A on the coding strand, the complement: TTN is on the minus strand). VCF-style: chr2-178614748-G-T. GRCh37 (hg19) VCF-style: chr2-179479475-G-T.
Other names: p.P14615T:CCA>ACA; c.43843C>A, p.Pro14615Thr (NM_001256850.1); c.21571C>A, p.Pro7191Thr (NM_003319.4); c.41062C>A, p.Pro13688Thr (NM_133378.4); c.21946C>A, p.Pro7316Thr (NM_133432.3); c.22147C>A, p.Pro7383Thr (NM_133437.4); short protein forms P14615T, P16256T, P13688T, P7191T, P7316T, P7383T.
Identifiers: ClinVar variation 202670 (VCV000202670.2), dbSNP rs750232795, ClinGen allele CA309932.

ClinVar aggregate classification (germline): Uncertain significance (1 of 4 stars; one submission).

Allele frequency attached by ClinVar (database versions not stated): ExAC 0.00001; gnomAD exomes below 0.00001.
gnomAD v4.1: 1 of 1,606,106 alleles (0.000062%); highest among the groups gnomAD compares: Non-Finnish European, 0.000085%; no homozygotes.

Submission:

GeneDx
Classification: Uncertain significance. Last evaluated: 2014-04-16. Review status: criteria provided, single submitter. Criteria: GeneDx Variant Classification (06012015). Collection method: clinical testing. Allele origin: germline. Affected: yes.
Comment: Missense variants in the TTN gene are considered 'unclassified' if they are not previously reported in the literature and do not have >1% frequency in the population to be considered a polymorphism. Research indicates that truncating mutations in the TTN gene are expected to account for approximately 25% of familial and 18% of sporadic idiopathic DCM; however, truncating variants in the TTN gene have been reported in approximately 3% of reported control alleles. There has been little investigation into non-truncating variants. (Herman D et al. Truncations of titin causing dilated cardiomyopathy. N Eng J Med 366:619-628, 2012) The variant is found in DCM-CRDM panel(s).